The following is an entry in ClinVar:

NM_000276.4(OCRL):c.1714-2A>G

Gene: OCRL (OCRL inositol polyphosphate-5-phosphatase; plus strand). Cytogenetic location: Xq26.1.
Variant type: single nucleotide variant.
Coding change: c.1714-2A>G on transcript NM_000276.4 (MANE Select); the canonical splice acceptor site of the intron before coding-DNA position 1714, A replaced by G.
Molecular consequence: splice acceptor variant.
Genome position (GRCh38, 1-based): chrX:129,575,895, A>G. VCF-style: chrX-129575895-A-G. GRCh37 (hg19) VCF-style: chrX-128709872-A-G.
Other names: c.1717-2A>G (NM_001318784.2); c.1714-2A>G (NM_001587.4).
Identifiers: ClinVar variation 2627497 (VCV002627497.1), dbSNP rs2521920142, ClinGen allele CA414618606.

ClinVar aggregate classification (germline): Likely pathogenic (1 of 4 stars; one submission).

Conditions:
Lowe syndrome (OCRL). Also called: LOWE OCULOCEREBRORENAL SYNDROME; PHOSPHATIDYLINOSITOL 4,5-BISPHOSPHATE 5-PHOSPHATASE DEFICIENCY; Oculocerebrorenal Syndrome. Identifiers: Orphanet 534, MedGen C0028860, MONDO:0010645, OMIM 309000.

Submission:

Neuberg Centre For Genomic Medicine, NCGM
Classification: Likely pathogenic for Lowe syndrome. Review status: criteria provided, single submitter. Criteria: ACMG Guidelines, 2015. Collection method: clinical testing. Allele origin: germline. Inheritance: X-linked recessive inheritance. Affected: yes.
Comment: The splice acceptor variant c.1714-2A>G in OCRL (NM_000276.4) has not been reported previously as a pathogenic variant nor as a benign variant, to our knowledge. The c.1714-2A>G variant is novel (not in any individuals) in gnomAD Exomes and is novel (not in any individuals) in 1000 Genomes. This variant mutates a splice-acceptor sequence, potentially resulting in exon skipping and the production of abnormal proteins. This variant is a loss of function variant in the gene OCRL, which is intolerant of Loss of Function variants. For these reasons, this variant has been classified as Likely Pathogenic.